The following is an entry in ClinVar:

NM_000057.4(BLM):c.2825T>C (p.Val942Ala)

Gene: BLM (BLM RecQ like helicase; plus strand). Cytogenetic location: 15q26.1.
Variant type: single nucleotide variant.
Coding change: c.2825T>C on transcript NM_000057.4 (MANE Select); coding-DNA position 2825, T replaced by C.
Protein change: p.Val942Ala; replaces valine 942 with alanine.
Molecular consequence: missense variant.
Genome position (GRCh38, 1-based): chr15:90,790,650, T>C. VCF-style: chr15-90790650-T-C. GRCh37 (hg19) VCF-style: chr15-91333880-T-C.
Other names: c.2825T>C, p.Val942Ala (NM_001287246.2, NM_001287247.2); c.1700T>C, p.Val567Ala (NM_001287248.2); short protein forms V942A, V567A.
Identifiers: ClinVar variation 2120696 (VCV002120696.4), dbSNP rs2505515839, ClinGen allele CA393846220.

ClinVar aggregate classification (germline): Uncertain significance (1 of 4 stars; one submission).

Conditions:
Bloom syndrome (BLM). Also called: Bloom-Torre-Machacek syndrome. Identifiers: Orphanet 125, MedGen C0005859, MONDO:0008876, OMIM 210900.

Submission:

Labcorp Genetics (formerly Invitae), Labcorp
Classification: Uncertain significance for Bloom syndrome. Last evaluated: 2022-04-01. Review status: criteria provided, single submitter. Criteria: Invitae Variant Classification Sherloc (09022015). Collection method: clinical testing. Allele origin: germline.
Comment: In summary, the available evidence is currently insufficient to determine the role of this variant in disease. Therefore, it has been classified as a Variant of Uncertain Significance. Algorithms developed to predict the effect of missense changes on protein structure and function are either unavailable or do not agree on the potential impact of this missense change (SIFT: "Deleterious"; PolyPhen-2: "Probably Damaging"; Align-GVGD: "Class C0"). This variant has not been reported in the literature in individuals affected with BLM-related conditions. This variant is not present in population databases (gnomAD no frequency). This sequence change replaces valine, which is neutral and non-polar, with alanine, which is neutral and non-polar, at codon 942 of the BLM protein (p.Val942Ala).